The following is an entry in ClinVar:

ClinVar aggregate classification (germline): Likely benign (1 of 4 stars; one submission).

Allele frequency attached by ClinVar (database versions not stated): ExAC 0.00001; gnomAD exomes below 0.00001; TOPMed 0.00001 and 0.00002; ESP Exome Variant Server 0.00008.

Submission:

GeneDx
Classification: Likely benign. Last evaluated: 2018-01-23. Review status: criteria provided, single submitter. Criteria: GeneDx Variant Classification (06012015). Collection method: clinical testing. Allele origin: germline. Affected: yes.
Comment: This variant is considered likely benign or benign based on one or more of the following criteria: it is a conservative change, it occurs at a poorly conserved position in the protein, it is predicted to be benign by multiple in silico algorithms, and/or has population frequency not consistent with disease.

NM_000138.5(FBN1):c.2205A>G (p.Pro735=)

Gene: FBN1 (fibrillin 1; minus strand). Cytogenetic location: 15q21.1.
Variant type: single nucleotide variant.
Coding change: c.2205A>G on transcript NM_000138.5 (MANE Select); coding-DNA position 2205, A replaced by G.
Protein change: p.Pro735=; no amino-acid change (proline 735 retained).
Molecular consequence: synonymous variant.
Genome position (GRCh38, 1-based): chr15:48,497,354, T>C on the plus strand (A>G on the coding strand, the complement: FBN1 is on the minus strand). VCF-style: chr15-48497354-T-C. GRCh37 (hg19) VCF-style: chr15-48789551-T-C.
Identifiers: ClinVar variation 514933 (VCV000514933.1), dbSNP rs142709936, ClinGen allele CA047204.